The following is an entry in ClinVar:

ClinVar aggregate classification (germline): Pathogenic. Review status: criteria provided, multiple submitters, no conflicts (2 of 4 stars). 2 submissions from 2 submitters: Pathogenic (2). Last evaluated 2024-05-30.

Conditions:
Hereditary cancer-predisposing syndrome. Also called: Hereditary Cancer Syndrome; Tumor predisposition; Neoplastic Syndromes, Hereditary; Hereditary neoplastic syndrome. Identifiers: Orphanet 140162, MedGen C0027672, MeSH D009386, MONDO:0015356.
Multiple endocrine neoplasia, type 1 (MEN1). Also called: WERMER SYNDROME; Endocrine adenomatosis multiple; MEN 1; MEN I; MEA I. Identifiers: Orphanet 652, MedGen C0025267, MeSH D018761, MONDO:0007540, OMIM 131100.

Submissions (2):

Myriad Genetics, Inc.
Classification: Pathogenic for Multiple endocrine neoplasia, type 1. Last evaluated: 2024-05-30. Review status: criteria provided, single submitter. Criteria: Myriad Autosomal Dominant, Autosomal Recessive and X-Linked Classification Criteria (2023). Collection method: clinical testing. Allele origin: unknown.
Comment: This variant is considered pathogenic. Functional studies indicate this variant impacts protein function [PMID: 21819486, 15254225]. This variant has been reported in multiple individuals with clinical features of gene-specific disease [PMID: 11303512, 29097378, 30339208, 26905068, 28870973].

Ambry Genetics
Classification: Pathogenic for Hereditary cancer-predisposing syndrome. Last evaluated: 2023-11-27. Review status: criteria provided, single submitter. Criteria: Ambry Variant Classification Scheme 2023. Collection method: clinical testing. Allele origin: germline.
Comment: The c.1252_1254delGACinsAAT pathogenic mutation, located in coding exon 8 of the MEN1 gene, results from an in-frame deletion of GAC and insertion of AAT at nucleotide positions 1252 to 1254. This results in the substitution of the aspartic acid residue for an asparagine residue at codon 418, an amino acid with highly similar properties. This amino acid position is highly conserved in available vertebrate species. A similar alteration leading to the same amino acid substitution at this codon, p.D418N (c.1252G>A), has been reported in numerous patients with multiple endocrine neoplasia type 1 (MEN1) (Bassett et al. Am. J. Hum. Genet. 1998;62:232-244; Giraud et al. Am. J. Hum. Genet.1998 Aug;63(2):455-67; Vierimaa O et al. Eur J Endocrinol, 2007 Sep;157:285-94; Chung YJ et al. Endocrinol Metab (Seoul), 2014 Sep;29:270-9; Goroshi M et al. Fam Cancer, 2016 Oct;15:617-24; Cinque L et al. Endocr Connect, 2017 Nov;6:886-891). Functional studies of the p.D418N alteration have demonstrated reduced stability and expression of the menin protein compared with wild-type (Shimazu S et al. Cancer Sci. 2011 Nov;102(11):2097-102; Yaguchi Het al. Mol. Cell. Biol. 2004 Aug; 24(15):6569-80). In addition, the in silico prediction for this alteration is inconclusive (Choi Y et al. PLoS ONE. 2012; 7(10):e46688). This variant is considered to be rare based on population cohorts in the Genome Aggregation Database (gnomAD). Based on the supporting evidence, this alteration is interpreted as a disease-causing mutation.

Literature cited by the submitters: PubMed 11303512 (cited by Myriad Genetics, Inc.); PubMed 29097378 (cited by Myriad Genetics, Inc. and Ambry Genetics); PubMed 30339208 (cited by Myriad Genetics, Inc.); PubMed 26905068 (cited by Myriad Genetics, Inc. and Ambry Genetics); PubMed 28870973 (cited by Myriad Genetics, Inc.); PubMed 15254225 (cited by Ambry Genetics); PubMed 17766710 (cited by Ambry Genetics); PubMed 21819486 (cited by Ambry Genetics); PubMed 25309785 (cited by Ambry Genetics); PubMed 29036195 (cited by Ambry Genetics).

NM_001370259.2(MEN1):c.1252_1254delinsAAT (p.Asp418Asn)

Gene: MEN1 (menin 1; minus strand). Cytogenetic location: 11q13.1.
Variant type: Indel.
Coding change: c.1252_1254delinsAAT on transcript NM_001370259.2 (MANE Select); coding-DNA positions 1252 to 1254, GAC replaced by AAT.
Protein change: p.Asp418Asn; replaces aspartic acid 418 with asparagine.
Molecular consequence: missense variant. On other transcripts: non-coding transcript variant (4), intron variant (1).
Genome position (GRCh38, 1-based): chr11:64,805,130-64,805,132, GTC replaced by ATT on the plus strand (GAC replaced by AAT on the coding strand, the reverse complement: MEN1 is on the minus strand). VCF-style: chr11-64805130-GTC-ATT. GRCh37 (hg19) VCF-style: chr11-64572602-GTC-ATT.
Other names: c.1267_1269delinsAAT, p.Asp423Asn (NM_000244.4, NM_001407145.1, NM_130800.3 and 4 more transcripts); c.1378_1380delinsAAT, p.Asp460Asn (NM_001370251.2, NM_001407142.1, NM_001407143.1 and 1 more transcripts); c.1252_1254delinsAAT, p.Asp418Asn (NM_001370260.2, NM_001370261.2, NM_001407146.1 and 2 more transcripts); c.1147_1149delinsAAT, p.Asp383Asn (NM_001370262.2, NM_001370263.2, NM_001407148.1 and 1 more transcripts); c.1393_1395delinsAAT, p.Asp465Asn (NM_001407150.1); c.1273_1275delinsAAT, p.Asp425Asn (NM_001407151.1); c.1186-316_1186-314delinsAAT (NM_001407152.1); short protein forms D383N, D418N, D423N, D425N, D460N, D465N.
Identifiers: ClinVar variation 3229056 (VCV003229056.2), dbSNP rs2497144452, ClinGen allele CA2825002030.
Genomic context (GRCh38, chr11:64,805,130, plus strand): 5'-GGTGGCCCAGCCCACATGCAGCACAGGCGTGGGACTGCCCTCCTCCCATTTGCAGATGCC[GTC>ATT]GTAGAATCGCAGCAGGTGGGCGAAGCACTCAGGGTCCTGGAGGGCGGAACCTTGGCTCTG-3'
Protein context (NP_001357188.2, residues 408-428): ECFAHLLRFY[Asp418Asn]GICKWEEGSP